The following is an entry in ClinVar:

NM_000059.4(BRCA2):c.6085G>T (p.Glu2029Ter)

Gene: BRCA2 (BRCA2 DNA repair associated; plus strand). Cytogenetic location: 13q13.1.
Variant type: single nucleotide variant.
Coding change: c.6085G>T on transcript NM_000059.4 (MANE Select); coding-DNA position 6085, G replaced by T.
Protein change: p.Glu2029Ter; replaces glutamic acid 2029 with a stop codon.
Molecular consequence: nonsense.
Genome position (GRCh38, 1-based): chr13:32,340,440, G>T. VCF-style: chr13-32340440-G-T. GRCh37 (hg19) VCF-style: chr13-32914577-G-T.
Other names: 6313G>T Glu2029ter; short protein forms E2029*.
Identifiers: ClinVar variation 52008 (VCV000052008.11), dbSNP rs397507828, ClinGen allele CA023634.

ClinVar aggregate classification (germline): Pathogenic. Review status: reviewed by expert panel (3 of 4 stars). 4 submissions from 4 submitters: Pathogenic (1). 3 of the submissions do not count toward it. Last evaluated 2016-10-18.

Conditions:
Hereditary cancer-predisposing syndrome. Also called: Neoplastic Syndromes, Hereditary; Tumor predisposition; Hereditary neoplastic syndrome; Hereditary Cancer Syndrome. Identifiers: Orphanet 140162, MedGen C0027672, MeSH D009386, MONDO:0015356.
Breast neoplasm. Also called: Neoplasm of breast; Breast tumor; Neoplasm of the breast; Breast Neoplasms. Identifiers: MedGen C1458155, MeSH D001943, MONDO:0021100, HP:0100013. Disease mechanism: gain of function.
Breast-ovarian cancer, familial, susceptibility to, 2 (BROVCA2). Also called: BRCA2 Hereditary Breast and Ovarian Cancer. Identifiers: Orphanet 145, MedGen C2675520, MONDO:0012933, OMIM 612555. Disease mechanism: loss of function.

Submissions (4):

Evidence-based Network for the Interpretation of Germline Mutant Alleles (ENIGMA)
Classification: Pathogenic for Breast-ovarian cancer, familial, susceptibility to, 2. Last evaluated: 2016-10-18. Review status: reviewed by expert panel. Criteria: ENIGMA BRCA1/2 Classification Criteria (2015). Collection method: curation. Allele origin: germline.
Comment: Variant allele predicted to encode a truncated non-functional protein.

3DMed Clinical Laboratory Inc
Classification: Pathogenic for Neoplasm of the breast. Last evaluated: 2018-02-01. Review status: criteria provided, single submitter. Criteria: ACMG Guidelines, 2015. Collection method: clinical testing. Allele origin: germline. Affected: yes. Not counted in ClinVar's aggregate classification.

Ambry Genetics
Classification: Pathogenic for Hereditary cancer-predisposing syndrome. Last evaluated: 2017-08-17. Review status: criteria provided, single submitter. Criteria: Ambry Variant Classification Scheme 2023. Collection method: clinical testing. Allele origin: germline. Not counted in ClinVar's aggregate classification.
Comment: The p.E2029* variant (also known as c.6085G>T), located in coding exon 10 of the BRCA2 gene, results from a G to T substitution at nucleotide position 6085. This changes the amino acid from a glutamic acid to a stop codon within coding exon 10. This mutation was reported in one study of families with hereditary breast and ovarian cancer (Lecarpentier J et al. Breast Cancer Res. 2012 Jul;14:R99). In addition to the clinical data presented in the literature, this alteration is expected to result in loss of function by premature protein truncation or nonsense-mediated mRNA decay. As such, this alteration is interpreted as a disease-causing mutation.

Consortium of Investigators of Modifiers of BRCA1/2 (CIMBA), c/o University of Cambridge
Classification: Pathogenic for Breast-ovarian cancer, familial, susceptibility to, 2. Last evaluated: 2015-10-02. Review status: criteria provided, single submitter. Criteria: CIMBA Mutation Classification guidelines May 2016. Collection method: clinical testing. Allele origin: germline. Not counted in ClinVar's aggregate classification.

Literature cited by the submitters: PubMed 15145354 (cited by 3DMed Clinical Laboratory Inc); PubMed 22762150 (cited by Ambry Genetics).